The following is an entry in ClinVar:

NM_006231.4(POLE):c.910-3T>G

Gene: POLE (DNA polymerase epsilon, catalytic subunit; minus strand). Cytogenetic location: 12q24.33.
Variant type: single nucleotide variant.
Coding change: c.910-3T>G on transcript NM_006231.4 (MANE Select); 3 bases into the intron before coding-DNA position 910, T replaced by G.
Molecular consequence: intron variant.
Genome position (GRCh38, 1-based): chr12:132,676,207, A>C on the plus strand (T>G on the coding strand, the complement: POLE is on the minus strand). VCF-style: chr12-132676207-A-C. GRCh37 (hg19) VCF-style: chr12-133252793-A-C.
Identifiers: ClinVar variation 823016 (VCV000823016.5), dbSNP rs1279665837, ClinGen allele CA608262053.

ClinVar aggregate classification (germline): Uncertain significance (1 of 4 stars; one submission).

Conditions:
Hereditary cancer-predisposing syndrome. Also called: Tumor predisposition; Hereditary Cancer Syndrome; Neoplastic Syndromes, Hereditary; Hereditary neoplastic syndrome. Identifiers: Orphanet 140162, MedGen C0027672, MeSH D009386, MONDO:0015356.

Allele frequency attached by ClinVar (database versions not stated): gnomAD exomes below 0.00001.
gnomAD v4.1: 1 of 1,605,066 alleles (0.000062%); highest among the groups gnomAD compares: Non-Finnish European, 0.000085%; no homozygotes.

Submission:

Ambry Genetics
Classification: Uncertain significance for Hereditary cancer-predisposing syndrome. Last evaluated: 2025-09-26. Review status: criteria provided, single submitter. Criteria: Ambry Variant Classification Scheme 2023. Collection method: clinical testing. Allele origin: germline.
Comment: The c.910-3T>G intronic variant results from a T to G substitution 3 nucleotides upstream from coding exon 10 in the POLE gene. This nucleotide position is poorly conserved in available vertebrate species. In silico splice site analysis predicts that this alteration will weaken the native splice acceptor site and will result in the creation or strengthening of a novel splice acceptor site. RNA studies have demonstrated that this alteration results in abnormal splicing in the set of samples tested (Ambry internal data). Although biallelic loss of function of POLE has been associated with autosomal recessive POLE deficiency, haploinsufficiency of POLE has not been established as a mechanism of disease for POLE-related polymerase proofreading-associated polyposis (PPAP) and POLE-related CMMRD-like syndrome. Based on the supporting evidence, this variant is expected to be causative of POLE deficiency when present along with a second pathogenic variant on the other allele; however, its clinical significance for PPAP and POLE-related CMMRD-like syndrome is unclear.